The following is an entry in ClinVar:

ClinVar aggregate classification (germline): Uncertain significance (1 of 4 stars; one submission).

Conditions:
Vici syndrome (VICIS). Identifiers: Orphanet 1493, MedGen C1855772, MONDO:0009452, OMIM 242840.

gnomAD v4.1: 3 of 1,613,878 alleles (0.00019%); highest among the groups gnomAD compares: Non-Finnish European, 0.00025%; no homozygotes.

Submission:

Labcorp Genetics (formerly Invitae), Labcorp
Classification: Uncertain significance for Vici syndrome. Last evaluated: 2025-09-07. Review status: criteria provided, single submitter. Criteria: Invitae Variant Classification Sherloc (09022015). Collection method: clinical testing. Allele origin: germline.
Comment: This sequence change replaces aspartic acid, which is acidic and polar, with glycine, which is neutral and non-polar, at codon 573 of the EPG5 protein (p.Asp573Gly). This variant is not present in population databases (gnomAD no frequency). This variant has not been reported in the literature in individuals affected with EPG5-related conditions. Invitae Evidence Modeling of protein sequence and biophysical properties (such as structural, functional, and spatial information, amino acid conservation, physicochemical variation, residue mobility, and thermodynamic stability) indicates that this missense variant is expected to disrupt EPG5 protein function with a positive predictive value of 80%. Algorithms developed to predict the effect of sequence changes on RNA splicing suggest that this variant may disrupt the consensus splice site. In summary, the available evidence is currently insufficient to determine the role of this variant in disease. Therefore, it has been classified as a Variant of Uncertain Significance.

NM_020964.3(EPG5):c.1718A>G (p.Asp573Gly)

Gene: EPG5 (ectopic P-granules 5 autophagy tethering factor; minus strand). Cytogenetic location: 18q21.1.
Variant type: single nucleotide variant.
Coding change: c.1718A>G on transcript NM_020964.3 (MANE Select); coding-DNA position 1718, A replaced by G.
Protein change: p.Asp573Gly; replaces aspartic acid 573 with glycine.
Molecular consequence: missense variant.
Genome position (GRCh38, 1-based): chr18:45,944,079, T>C on the plus strand (A>G on the coding strand, the complement: EPG5 is on the minus strand). VCF-style: chr18-45944079-T-C. GRCh37 (hg19) VCF-style: chr18-43524045-T-C.
Other names: c.1718A>G, p.Asp573Gly (NM_001410858.1, NM_001410859.1); short protein forms D573G.
Identifiers: ClinVar variation 4752743 (VCV004752743.1).
Genomic context (GRCh38, chr18:45,944,079, plus strand): 5'-CCAAGAAGATGCTGAAAGAGTTCATGAAAGGGGAACTGTGCTAAAATGGTAACCAAATCA[T>C]CTTCATTAAGGAGAATCCAACTGGTCTCAGGGTCTTCATCCTAAGGGAAAAGACAAAAAA-3'
Protein context (NP_066015.2, residues 563-583): PETSWILLNE[Asp573Gly]DLVTILAQFP